The following is an entry in ClinVar:

NM_000548.5(TSC2):c.2992G>A (p.Ala998Thr)

Gene: TSC2 (TSC complex subunit 2; plus strand). Cytogenetic location: 16p13.3.
Variant type: single nucleotide variant.
Coding change: c.2992G>A on transcript NM_000548.5 (MANE Select); coding-DNA position 2992, G replaced by A.
Protein change: p.Ala998Thr; replaces alanine 998 with threonine.
Molecular consequence: missense variant.
Genome position (GRCh38, 1-based): chr16:2,079,057, G>A. VCF-style: chr16-2079057-G-A. GRCh37 (hg19) VCF-style: chr16-2129058-G-A.
Other names: c.2992G>A (NM_000548.3); c.2992G>A, p.Ala998Thr (NM_001114382.3); c.2752G>A, p.Ala918Thr (NM_001318827.2); c.2716G>A, p.Ala906Thr (NM_001318829.2); c.2260G>A, p.Ala754Thr (NM_001318831.2); c.2893G>A, p.Ala965Thr (NM_001318832.2); c.2863G>A, p.Ala955Thr (NM_001363528.2, NM_001370405.1, NM_021055.3); c.2860G>A, p.Ala954Thr (NM_001370404.1, NM_001077183.3); short protein forms A998T, A955T, A754T, A906T, A954T, A918T, A965T.
Identifiers: ClinVar variation 1462357 (VCV001462357.10), dbSNP rs1440361406, ClinGen allele CA394283683.

ClinVar aggregate classification (germline): Uncertain significance. Review status: criteria provided, multiple submitters, no conflicts (2 of 4 stars). 3 submissions from 3 submitters: Uncertain significance (3). Last evaluated 2024-05-14.

Conditions:
Hereditary cancer-predisposing syndrome. Also called: Neoplastic Syndromes, Hereditary; Hereditary Cancer Syndrome; Tumor predisposition; Hereditary neoplastic syndrome. Identifiers: Orphanet 140162, MedGen C0027672, MeSH D009386, MONDO:0015356.
Tuberous sclerosis syndrome (TSC). Also called: Tuberous sclerosis; Tuberous Sclerosis Complex. Identifiers: Orphanet 805, MedGen C0041341, MONDO:0001734.
Tuberous sclerosis 2 (TSC2). Identifiers: Orphanet 805, MedGen C1860707, MONDO:0013199, OMIM 613254.

Submissions (3):

Ambry Genetics
Classification: Uncertain significance for Hereditary cancer-predisposing syndrome. Last evaluated: 2024-05-14. Review status: criteria provided, single submitter. Criteria: Ambry Variant Classification Scheme 2023. Collection method: clinical testing. Allele origin: germline.
Comment: The p.A998T variant (also known as c.2992G>A), located in coding exon 26 of the TSC2 gene, results from a G to A substitution at nucleotide position 2992. The alanine at codon 998 is replaced by threonine, an amino acid with similar properties. This amino acid position is conserved. In addition, the in silico prediction for this alteration is inconclusive. Based on the available evidence, the clinical significance of this variant remains unclear.

All of Us Research Program, National Institutes of Health
Classification: Uncertain significance for Tuberous sclerosis syndrome. Last evaluated: 2023-11-30. Review status: criteria provided, single submitter. Criteria: ACMG Guidelines, 2015. Collection method: clinical testing. Allele origin: germline. Inheritance: Autosomal dominant inheritance. Observed: 1 variant allele, 1 heterozygote.
Comment: This study involves interpretation of variants in research participants for the purpose of population health screening. Participant phenotype was not available at the time of variant classification. Additional details can be found in publication PMID: 35346344, PMCID: PMC8962531

Labcorp Genetics (formerly Invitae), Labcorp
Classification: Uncertain significance for Tuberous sclerosis 2. Last evaluated: 2023-08-17. Review status: criteria provided, single submitter. Criteria: Invitae Variant Classification Sherloc (09022015). Collection method: clinical testing. Allele origin: germline.
Comment: In summary, the available evidence is currently insufficient to determine the role of this variant in disease. Therefore, it has been classified as a Variant of Uncertain Significance. Advanced modeling of protein sequence and biophysical properties (such as structural, functional, and spatial information, amino acid conservation, physicochemical variation, residue mobility, and thermodynamic stability) performed at Invitae indicates that this missense variant is not expected to disrupt TSC2 protein function. ClinVar contains an entry for this variant (Variation ID: 1462357). This variant has not been reported in the literature in individuals affected with TSC2-related conditions. This variant is not present in population databases (gnomAD no frequency). This sequence change replaces alanine, which is neutral and non-polar, with threonine, which is neutral and polar, at codon 998 of the TSC2 protein (p.Ala998Thr).